The following is an entry in ClinVar:

NM_015346.4(ZFYVE26):c.1544C>A (p.Ser515Ter)

Gene: ZFYVE26 (zinc finger FYVE-type containing 26; minus strand). Cytogenetic location: 14q24.1.
Variant type: single nucleotide variant.
Coding change: c.1544C>A on transcript NM_015346.4 (MANE Select); coding-DNA position 1544, C replaced by A.
Protein change: p.Ser515Ter; replaces serine 515 with a stop codon.
Molecular consequence: nonsense.
Genome position (GRCh38, 1-based): chr14:67,802,174, G>T on the plus strand (C>A on the coding strand, the complement: ZFYVE26 is on the minus strand). VCF-style: chr14-67802174-G-T. GRCh37 (hg19) VCF-style: chr14-68268891-G-T.
Other names: short protein forms S515*.
Identifiers: ClinVar variation 939570 (VCV000939570.7), dbSNP rs2040090240, ClinGen allele CA390176410.

ClinVar aggregate classification (germline): Pathogenic (1 of 4 stars; one submission).

Conditions:
Spastic paraplegia. Identifiers: MedGen C0037772, HP:0001258.

Allele frequency attached by ClinVar (database versions not stated): gnomAD exomes below 0.00001; TOPMed below 0.00001.

Submission:

Labcorp Genetics (formerly Invitae), Labcorp
Classification: Pathogenic for Spastic paraplegia. Last evaluated: 2019-05-10. Review status: criteria provided, single submitter. Criteria: Invitae Variant Classification Sherloc (09022015). Collection method: clinical testing. Allele origin: germline.
Comment: For these reasons, this variant has been classified as Pathogenic. Loss-of-function variants in ZFYVE26 are known to be pathogenic (PMID: 18394578, 19805727). This variant has not been reported in the literature in individuals with ZFYVE26-related conditions. This variant is not present in population databases (ExAC no frequency). This sequence change creates a premature translational stop signal (p.Ser515*) in the ZFYVE26 gene. It is expected to result in an absent or disrupted protein product.

Literature cited by the submitters: PubMed 18394578; PubMed 19805727.